The following is an entry in ClinVar:

ClinVar aggregate classification (germline): Uncertain significance. Review status: criteria provided, multiple submitters, no conflicts (2 of 4 stars). 5 submissions from 5 submitters: Uncertain significance (5). Last evaluated 2025-08-27.

Conditions:
Inborn genetic diseases. Identifiers: MedGen C0950123, MeSH D030342.
TJP2-related disorder. Also called: TJP2-related condition.

Allele frequency attached by ClinVar (database versions not stated): gnomAD exomes below 0.00001; ExAC 0.00001; gnomAD 0.00001; TOPMed 0.00001.

Submissions (5):

Ambry Genetics
Classification: Uncertain significance for Inborn genetic diseases. Last evaluated: 2025-08-27. Review status: criteria provided, single submitter. Criteria: Ambry Variant Classification Scheme 2023. Collection method: clinical testing. Allele origin: germline.

GeneDx
Classification: Uncertain significance. Last evaluated: 2025-07-17. Review status: criteria provided, single submitter. Criteria: GeneDx Variant Classification Process June 2021. Collection method: clinical testing. Allele origin: germline. Affected: yes.
Comment: Not observed at significant frequency in large population cohorts (gnomAD); In silico analysis supports that this missense variant has a deleterious effect on protein structure/function; Has not been previously published as pathogenic or benign to our knowledge

PreventionGenetics, part of Exact Sciences
Classification: Uncertain significance for TJP2-related condition. Last evaluated: 2024-12-11. Review status: criteria provided, single submitter. Criteria: ACMG Guidelines, 2015. Collection method: clinical testing. Allele origin: germline.
Comment: The TJP2 c.1571G>A variant is predicted to result in the amino acid substitution p.Arg524Gln. To our knowledge, this variant has not been reported in the literature. This variant is reported in 0.0029% of alleles in individuals of Latino descent in gnomAD. At this time, the clinical significance of this variant is uncertain due to the absence of conclusive functional and genetic evidence.

Labcorp Genetics (formerly Invitae), Labcorp
Classification: Uncertain significance. Last evaluated: 2022-09-30. Review status: criteria provided, single submitter. Criteria: Invitae Variant Classification Sherloc (09022015). Collection method: clinical testing. Allele origin: germline.
Comment: This variant has not been reported in the literature in individuals affected with TJP2-related conditions. This variant is present in population databases (rs758151558, gnomAD 0.003%). This sequence change replaces arginine, which is basic and polar, with glutamine, which is neutral and polar, at codon 524 of the TJP2 protein (p.Arg524Gln). ClinVar contains an entry for this variant (Variation ID: 594743). In summary, the available evidence is currently insufficient to determine the role of this variant in disease. Therefore, it has been classified as a Variant of Uncertain Significance. Advanced modeling of protein sequence and biophysical properties (such as structural, functional, and spatial information, amino acid conservation, physicochemical variation, residue mobility, and thermodynamic stability) performed at Invitae indicates that this missense variant is not expected to disrupt TJP2 protein function.

Eurofins Ntd Llc (ga)
Classification: Uncertain significance. Last evaluated: 2017-10-26. Review status: criteria provided, single submitter. Criteria: EGL Classification Definitions 2015. Collection method: clinical testing. Allele origin: germline. Observed: 1 variant allele, 1 heterozygote.

NM_004817.4(TJP2):c.1571G>A (p.Arg524Gln)

Gene: TJP2 (tight junction protein 2; plus strand). Cytogenetic location: 9q21.11.
Variant type: single nucleotide variant.
Coding change: c.1571G>A on transcript NM_004817.4 (MANE Select); coding-DNA position 1571, G replaced by A.
Protein change: p.Arg524Gln; replaces arginine 524 with glutamine.
Molecular consequence: missense variant.
Genome position (GRCh38, 1-based): chr9:69,230,132, G>A. VCF-style: chr9-69230132-G-A. GRCh37 (hg19) VCF-style: chr9-71845048-G-A.
Other names: c.1502G>A, p.Arg501Gln (NM_001170414.2, NM_001369871.1); c.1583G>A, p.Arg528Gln (NM_001170415.1, NM_001369874.1, NM_001369875.1); c.1664G>A, p.Arg555Gln (NM_001170416.2); c.1496G>A, p.Arg499Gln (NM_001369870.1); c.1571G>A, p.Arg524Gln (NM_001369872.1, NM_001369873.1, NM_201629.3 and 1 more transcripts); c.1571G>A (NM_004817.3); short protein forms R524Q, R499Q, R528Q, R501Q, R555Q.
Identifiers: ClinVar variation 594743 (VCV000594743.12), dbSNP rs758151558, ClinGen allele CA5073371.